The following is an entry in ClinVar:

ClinVar aggregate classification (germline): Uncertain significance (1 of 4 stars; one submission).

gnomAD v4.1: 3 of 1,192,965 alleles (0.00025%); highest among the groups gnomAD compares: Non-Finnish European, 0.00034%; no homozygotes.

Submission:

Labcorp Genetics (formerly Invitae), Labcorp
Classification: Uncertain significance. Last evaluated: 2025-12-14. Review status: criteria provided, single submitter. Criteria: Invitae Variant Classification Sherloc (09022015). Collection method: clinical testing. Allele origin: germline.
Comment: This sequence change replaces valine, which is neutral and non-polar, with alanine, which is neutral and non-polar, at codon 407 of the PHEX protein (p.Val407Ala). This variant is present in population databases (rs764695823, gnomAD 0.002%), including at least one homozygous and/or hemizygous individual. This variant has not been reported in the literature in individuals affected with PHEX-related conditions. Invitae Evidence Modeling of protein sequence and biophysical properties (such as structural, functional, and spatial information, amino acid conservation, physicochemical variation, residue mobility, and thermodynamic stability) has been performed for this missense variant. However, the output from this modeling did not meet the statistical confidence thresholds required to predict the impact of this variant on PHEX protein function. In summary, the available evidence is currently insufficient to determine the role of this variant in disease. Therefore, it has been classified as a Variant of Uncertain Significance.

NM_000444.6(PHEX):c.1220T>C (p.Val407Ala)

Gene: PHEX (phosphate regulating endopeptidase X-linked; plus strand). Cytogenetic location: Xp22.11.
Variant type: single nucleotide variant.
Coding change: c.1220T>C on transcript NM_000444.6 (MANE Select); coding-DNA position 1220, T replaced by C.
Protein change: p.Val407Ala; replaces valine 407 with alanine.
Molecular consequence: missense variant.
Genome position (GRCh38, 1-based): chrX:22,114,504, T>C. VCF-style: chrX-22114504-T-C. GRCh37 (hg19) VCF-style: chrX-22132622-T-C.
Other names: c.1220T>C, p.Val407Ala (NM_001282754.2); short protein forms V407A.
Identifiers: ClinVar variation 4717186 (VCV004717186.1).